The following is an entry in ClinVar:

ClinVar aggregate classification (germline): Conflicting classifications of pathogenicity. Review status: criteria provided, conflicting classifications (1 of 4 stars). 4 submissions from 4 submitters: Uncertain significance (1); Benign (1); Likely benign (1). 1 of the submissions does not count toward it. Last evaluated 2025-09-14.

Conditions:
B4GALNT1-related disorder. Also called: B4GALNT1-related condition.
Spastic paraplegia. Identifiers: MedGen C0037772, HP:0001258.

Allele frequency attached by ClinVar (database versions not stated): ESP Exome Variant Server 0.00008; TOPMed 0.00015; gnomAD exomes 0.00023 and 0.00029; gnomAD 0.00034 and 0.00038; ExAC 0.00047.
gnomAD v4.1: 453 of 1,572,254 alleles (0.029%); highest among the groups gnomAD compares: Non-Finnish European, 0.037%; 1 homozygote.

Submissions (4):

Labcorp Genetics (formerly Invitae), Labcorp
Classification: Likely benign for Spastic paraplegia. Last evaluated: 2025-09-14. Review status: criteria provided, single submitter. Criteria: Invitae Variant Classification Sherloc (09022015). Collection method: clinical testing. Allele origin: germline.

Laboratory of Genetics, Children's Clinical University Hospital Latvia
Classification: Benign. Last evaluated: 2025-02-16. Review status: criteria provided, single submitter. Criteria: ACMG Guidelines, 2015. Collection method: clinical testing. Allele origin: germline. Affected: yes.

CeGaT Center for Human Genetics Tuebingen
Classification: Uncertain significance. Last evaluated: 2020-10-01. Review status: criteria provided, single submitter. Criteria: CeGaT Center For Human Genetics Tuebingen Variant Classification Criteria Version 2. Collection method: clinical testing. Allele origin: germline. Affected: yes. Observed: 1 variant allele.

PreventionGenetics, part of Exact Sciences
Classification: Likely benign for B4GALNT1-related condition. Last evaluated: 2019-07-09. Review status: no assertion criteria provided. Collection method: clinical testing. Allele origin: germline. Not counted in ClinVar's aggregate classification.
Comment: This variant is classified as likely benign based on ACMG/AMP sequence variant interpretation guidelines (Richards et al. 2015 PMID: 25741868, with internal and published modifications).

NM_001478.5(B4GALNT1):c.1144-7C>T

Gene: B4GALNT1 (beta-1,4-N-acetyl-galactosaminyltransferase 1; minus strand). Cytogenetic location: 12q13.3.
Variant type: single nucleotide variant.
Coding change: c.1144-7C>T on transcript NM_001478.5 (MANE Select); 7 bases into the intron before coding-DNA position 1144, C replaced by T.
Molecular consequence: intron variant.
Genome position (GRCh38, 1-based): chr12:57,627,865, G>A on the plus strand (C>T on the coding strand, the complement: B4GALNT1 is on the minus strand). VCF-style: chr12-57627865-G-A. GRCh37 (hg19) VCF-style: chr12-58021648-G-A.
Other names: c.979-7C>T (NM_001276468.2); c.1144-7C>T (NM_001478.4).
Identifiers: ClinVar variation 1012824 (VCV001012824.47), dbSNP rs370107238, ClinGen allele CA6655505.